The following is an entry in ClinVar:

ClinVar aggregate classification (germline): Uncertain significance (1 of 4 stars; one submission).

Submission:

GeneDx
Classification: Uncertain significance. Last evaluated: 2024-07-18. Review status: criteria provided, single submitter. Criteria: GeneDx Variant Classification Process June 2021. Collection method: clinical testing. Allele origin: germline. Affected: yes.
Comment: Not observed at significant frequency in large population cohorts (gnomAD); In silico analysis indicates that this missense variant does not alter protein structure/function; Has not been previously published as pathogenic or benign to our knowledge

NM_001378418.1(TCF20):c.5718C>A (p.Phe1906Leu)

Gene: TCF20 (transcription factor 20; minus strand). Cytogenetic location: 22q13.2.
Variant type: single nucleotide variant.
Coding change: c.5718C>A on transcript NM_001378418.1 (MANE Select); coding-DNA position 5718, C replaced by A.
Protein change: p.Phe1906Leu; replaces phenylalanine 1906 with leucine.
Molecular consequence: missense variant.
Genome position (GRCh38, 1-based): chr22:42,179,640, G>T on the plus strand (C>A on the coding strand, the complement: TCF20 is on the minus strand). VCF-style: chr22-42179640-G-T. GRCh37 (hg19) VCF-style: chr22-42575646-G-T.
Other names: c.5718C>A, p.Phe1906Leu (NM_005650.4, NM_181492.3); short protein forms F1906L.
Identifiers: ClinVar variation 3573820 (VCV003573820.1).